The following is an entry in ClinVar:

ClinVar aggregate classification (germline): Uncertain significance (1 of 4 stars; one submission).

Conditions:
Dyskeratosis congenita, autosomal recessive 6 (DKCB6). Identifiers: MedGen C4225356, MONDO:0014600, OMIM 616353.
Pulmonary fibrosis and/or bone marrow failure, Telomere-related, 4. Also called: PULMONARY FIBROSIS AND/OR BONE MARROW FAILURE SYNDROME, TELOMERE-RELATED, 4. Identifiers: Orphanet 2032, MedGen C4225347, MONDO:0014612, OMIM 616371.

Allele frequency attached by ClinVar (database versions not stated): gnomAD exomes below 0.00001.
gnomAD v4.1: 1 of 1,613,832 alleles (0.000062%); highest among the groups gnomAD compares: South Asian, 0.0011%; no homozygotes.

Submission:

Labcorp Genetics (formerly Invitae), Labcorp
Classification: Uncertain significance for Dyskeratosis congenita, autosomal recessive 6; Pulmonary fibrosis and/or bone marrow failure, Telomere-related, 4. Last evaluated: 2024-07-22. Review status: criteria provided, single submitter. Criteria: Invitae Variant Classification Sherloc (09022015). Collection method: clinical testing. Allele origin: germline.
Comment: This sequence change replaces asparagine, which is neutral and polar, with aspartic acid, which is acidic and polar, at codon 568 of the PARN protein (p.Asn568Asp). This variant is not present in population databases (gnomAD no frequency). This variant has not been reported in the literature in individuals affected with PARN-related conditions. ClinVar contains an entry for this variant (Variation ID: 2008607). An algorithm developed to predict the effect of missense changes on protein structure and function (PolyPhen-2) suggests that this variant is likely to be tolerated. In summary, the available evidence is currently insufficient to determine the role of this variant in disease. Therefore, it has been classified as a Variant of Uncertain Significance.

NM_002582.4(PARN):c.1702A>G (p.Asn568Asp)

Gene: PARN (poly(A)-specific ribonuclease; minus strand). Cytogenetic location: 16p13.12.
Variant type: single nucleotide variant.
Coding change: c.1702A>G on transcript NM_002582.4 (MANE Select); coding-DNA position 1702, A replaced by G.
Protein change: p.Asn568Asp; replaces asparagine 568 with aspartic acid.
Molecular consequence: missense variant.
Genome position (GRCh38, 1-based): chr16:14,447,050, T>C on the plus strand (A>G on the coding strand, the complement: PARN is on the minus strand). VCF-style: chr16-14447050-T-C. GRCh37 (hg19) VCF-style: chr16-14540907-T-C.
Other names: c.1519A>G, p.Asn507Asp (NM_001134477.3); c.1564A>G, p.Asn522Asp (NM_001242992.2); short protein forms N568D, N522D, N507D.
Identifiers: ClinVar variation 2008607 (VCV002008607.4), dbSNP rs2506561614, ClinGen allele CA395184561.